The following is an entry in ClinVar:

ClinVar aggregate classification (germline): Uncertain significance (1 of 4 stars; one submission).

Conditions:
Kabuki syndrome. Also called: Kabuki make-up syndrome; NIIKAWA-KUROKI SYNDROME. Identifiers: Orphanet 2322, MedGen C0796004, MONDO:0016512.

Submission:

Labcorp Genetics (formerly Invitae), Labcorp
Classification: Uncertain significance for Kabuki syndrome. Last evaluated: 2021-10-31. Review status: criteria provided, single submitter. Criteria: Invitae Variant Classification Sherloc (09022015). Collection method: clinical testing. Allele origin: germline.
Comment: This sequence change replaces serine, which is neutral and polar, with cysteine, which is neutral and slightly polar, at codon 2138 of the KMT2D protein (p.Ser2138Cys). This variant is not present in population databases (gnomAD no frequency). This variant has not been reported in the literature in individuals affected with KMT2D-related conditions. Advanced modeling of protein sequence and biophysical properties (such as structural, functional, and spatial information, amino acid conservation, physicochemical variation, residue mobility, and thermodynamic stability) performed at Invitae indicates that this missense variant is not expected to disrupt KMT2D protein function. Algorithms developed to predict the effect of sequence changes on RNA splicing suggest that this variant may create or strengthen a splice site. In summary, the available evidence is currently insufficient to determine the role of this variant in disease. Therefore, it has been classified as a Variant of Uncertain Significance.

NM_003482.4(KMT2D):c.6413C>G (p.Ser2138Cys)

Gene: KMT2D (lysine methyltransferase 2D; minus strand). Cytogenetic location: 12q13.12.
Variant type: single nucleotide variant.
Coding change: c.6413C>G on transcript NM_003482.4 (MANE Select); coding-DNA position 6413, C replaced by G.
Protein change: p.Ser2138Cys; replaces serine 2138 with cysteine.
Molecular consequence: missense variant.
Genome position (GRCh38, 1-based): chr12:49,041,357, G>C on the plus strand (C>G on the coding strand, the complement: KMT2D is on the minus strand). VCF-style: chr12-49041357-G-C. GRCh37 (hg19) VCF-style: chr12-49435140-G-C.
Other names: short protein forms S2138C.
Identifiers: ClinVar variation 1500733 (VCV001500733.6), dbSNP rs2120545757, ClinGen allele CA384750951.